The following is an entry in ClinVar:

ClinVar aggregate classification (germline): Uncertain significance (1 of 4 stars; one submission).

Conditions:
Hereditary cancer-predisposing syndrome. Also called: Tumor predisposition; Hereditary Cancer Syndrome; Neoplastic Syndromes, Hereditary; Hereditary neoplastic syndrome. Identifiers: Orphanet 140162, MedGen C0027672, MeSH D009386, MONDO:0015356.

Allele frequency attached by ClinVar (database versions not stated): gnomAD exomes below 0.00001.
gnomAD v4.1: 8 of 1,614,258 alleles (0.0005%); highest among the groups gnomAD compares: South Asian, 0.0011%; no homozygotes.

Submission:

Ambry Genetics
Classification: Uncertain significance for Hereditary cancer-predisposing syndrome. Last evaluated: 2024-10-13. Review status: criteria provided, single submitter. Criteria: Ambry Variant Classification Scheme 2023. Collection method: clinical testing. Allele origin: germline.
Comment: The p.G846S variant (also known as c.2536G>A), located in coding exon 15 of the ALK gene, results from a G to A substitution at nucleotide position 2536. The glycine at codon 846 is replaced by serine, an amino acid with similar properties. This amino acid position is conserved. In addition, the in silico prediction for this alteration is inconclusive. Since supporting evidence is limited at this time, the clinical significance of this alteration remains unclear.

NM_004304.5(ALK):c.2536G>A (p.Gly846Ser)

Gene: ALK (ALK receptor tyrosine kinase; minus strand). Cytogenetic location: 2p23.2.
Variant type: single nucleotide variant.
Coding change: c.2536G>A on transcript NM_004304.5 (MANE Select); coding-DNA position 2536, G replaced by A.
Protein change: p.Gly846Ser; replaces glycine 846 with serine.
Molecular consequence: missense variant.
Genome position (GRCh38, 1-based): chr2:29,232,400, C>T on the plus strand (G>A on the coding strand, the complement: ALK is on the minus strand). VCF-style: chr2-29232400-C-T. GRCh37 (hg19) VCF-style: chr2-29455266-C-T.
Other names: short protein forms G846S.
Identifiers: ClinVar variation 1792766 (VCV001792766.3), dbSNP rs1558629763, ClinGen allele CA346471907.